The following is an entry in ClinVar:

NM_000424.4(KRT5):c.589G>A (p.Asp197Asn)

Genes: KRT5 (keratin 5; minus strand), LOC126861526 (BRD4-independent group 4 enhancer GRCh37_chr12:52912066-52913265; plus strand). Cytogenetic location: 12q13.13.
Variant type: single nucleotide variant.
Coding change: c.589G>A on transcript NM_000424.4 (MANE Select); coding-DNA position 589, G replaced by A.
Protein change: p.Asp197Asn; replaces aspartic acid 197 with asparagine.
Molecular consequence: missense variant.
Genome position (GRCh38, 1-based): chr12:52,519,127, C>T on the plus strand (G>A on the coding strand, the complement: KRT5 is on the minus strand). VCF-style: chr12-52519127-C-T. GRCh37 (hg19) VCF-style: chr12-52912911-C-T.
Other names: short protein forms D197N.
Identifiers: ClinVar variation 3007103 (VCV003007103.3), dbSNP rs761944980, ClinGen allele CA6582798.
Genomic context (GRCh38, chr12:52,519,127, plus strand): 5'-GCTCCAGGTTCTGCCTCACAGTCTTGGTGCCCTGCTCCTGCAGCAGGGTCCACTTGGTGT[C>T]CAGAACCTTGTTCTGCTGCTCCAGGAACCGCACCTGGAGGGGAGCAGGGTTTGAAGATAG-3'
Protein context (NP_000415.2, residues 187-207): RFLEQQNKVL[Asp197Asn]TKWTLLQEQG

ClinVar aggregate classification (germline): Uncertain significance (1 of 4 stars; one submission).

Allele frequency attached by ClinVar (database versions not stated): ExAC 0.00001; gnomAD exomes 0.00001.

Submission:

Labcorp Genetics (formerly Invitae), Labcorp
Classification: Uncertain significance. Last evaluated: 2023-10-19. Review status: criteria provided, single submitter. Criteria: Invitae Variant Classification Sherloc (09022015). Collection method: clinical testing. Allele origin: germline.
Comment: This sequence change replaces aspartic acid, which is acidic and polar, with asparagine, which is neutral and polar, at codon 197 of the KRT5 protein (p.Asp197Asn). This variant is present in population databases (rs761944980, gnomAD 0.002%). This variant has not been reported in the literature in individuals affected with KRT5-related conditions. Advanced modeling of protein sequence and biophysical properties (such as structural, functional, and spatial information, amino acid conservation, physicochemical variation, residue mobility, and thermodynamic stability) performed at Invitae indicates that this missense variant is not expected to disrupt KRT5 protein function. In summary, the available evidence is currently insufficient to determine the role of this variant in disease. Therefore, it has been classified as a Variant of Uncertain Significance.